The following is an entry in ClinVar:

ClinVar aggregate classification (germline): Pathogenic. Review status: criteria provided, single submitter (1 of 4 stars). 2 submissions from 2 submitters: Pathogenic (1). 1 of the submissions does not count toward it. Last evaluated 2025-05-29.

Conditions:
Inborn genetic diseases. Identifiers: MedGen C0950123, MeSH D030342.
CHD7-related disorder. Also called: CHD7-related condition.

Submissions (2):

Ambry Genetics
Classification: Pathogenic for Inborn genetic diseases. Last evaluated: 2025-05-29. Review status: criteria provided, single submitter. Criteria: Ambry Variant Classification Scheme 2023. Collection method: clinical testing. Allele origin: germline.
Comment: The c.4645-2A>G intronic variant results from an A to G substitution two nucleotides before coding exon 20 of the CHD7 gene. Alterations that disrupt the canonical splice site are expected to cause aberrant splicing, resulting in an abnormal protein or a transcript that is subject to nonsense-mediated mRNA decay. This variant was not reported in population-based cohorts in the Genome Aggregation Database (gnomAD). Another variant impacting the same acceptor site (c.4645-1G>C) has been identified in individual(s) with features consistent with CHARGE syndrome (Legendre, 2017; Ambry internal data). This nucleotide position is conserved on limited species alignment. In silico splice site analysis predicts that this alteration will weaken the native splice acceptor site and may result in the creation or strengthening of a novel splice acceptor site. Based on the available evidence, this alteration is classified as pathogenic.

PreventionGenetics, part of Exact Sciences
Classification: Pathogenic for CHD7-related condition. Last evaluated: 2024-04-01. Review status: no assertion criteria provided. Collection method: clinical testing. Allele origin: germline. Not counted in ClinVar's aggregate classification.
Comment: The CHD7 c.4645-2A>G variant is predicted to disrupt the AG splice acceptor site and interfere with normal splicing. To our knowledge, this variant has not been reported in the literature or in a large population database, indicating this variant is rare. Variants that disrupt the consensus splice acceptor site in CHD7 are expected to be pathogenic. This variant is interpreted as pathogenic.

Literature cited by the submitters: PubMed 29178447 (cited by Ambry Genetics).

NM_017780.4(CHD7):c.4645-2A>G

Gene: CHD7 (chromodomain helicase DNA binding protein 7; plus strand). Cytogenetic location: 8q12.2.
Variant type: single nucleotide variant.
Coding change: c.4645-2A>G on transcript NM_017780.4 (MANE Select); the canonical splice acceptor site of the intron before coding-DNA position 4645, A replaced by G.
Molecular consequence: splice acceptor variant. On other transcripts: intron variant (1).
Genome position (GRCh38, 1-based): chr8:60,841,845, A>G. VCF-style: chr8-60841845-A-G. GRCh37 (hg19) VCF-style: chr8-61754404-A-G.
Other names: c.1717-20384A>G (NM_001316690.1).
Identifiers: ClinVar variation 3348748 (VCV003348748.2).